The following is an entry in ClinVar:

ClinVar aggregate classification (germline): Uncertain significance (1 of 4 stars; one submission).

Conditions:
SEMA3G-related disorder. Also called: SEMA3G-related condition.

Submission:

PreventionGenetics, part of Exact Sciences
Classification: Uncertain significance for SEMA3G-related condition. Last evaluated: 2024-10-27. Review status: criteria provided, single submitter. Criteria: ACMG Guidelines, 2015. Collection method: clinical testing. Allele origin: germline.
Comment: The SEMA3G c.276+1G>T variant is predicted to disrupt the GT donor site and interfere with normal splicing. To our knowledge, this variant has not been reported in the literature or in a large population database (gnomAD), indicating this variant is rare. Loss-of-function is not an established mechanism of disease for this gene. At this time, the clinical significance of this variant is uncertain due to the absence of conclusive functional and genetic evidence.

NM_020163.3(SEMA3G):c.276+1G>T

Gene: SEMA3G (semaphorin 3G; minus strand). Cytogenetic location: 3p21.1.
Variant type: single nucleotide variant.
Coding change: c.276+1G>T on transcript NM_020163.3 (MANE Select); the canonical splice donor site of the intron after coding-DNA position 276, G replaced by T.
Molecular consequence: splice donor variant.
Genome position (GRCh38, 1-based): chr3:52,442,746, C>A on the plus strand (G>T on the coding strand, the complement: SEMA3G is on the minus strand). VCF-style: chr3-52442746-C-A. GRCh37 (hg19) VCF-style: chr3-52476762-C-A.
Identifiers: ClinVar variation 4996774 (VCV004996774.1).
Genomic context (GRCh38, chr3:52,442,746, plus strand): 5'-GCCTCCCATCTGGAGGTGCCCAGTTCTCAAACAGACCCTCTTCCCTGCCAGTCCAGCTCA[C>A]CTCCCGGGGATCTGGCCATGCCTGGTCCAGCCGCAGAGAGTAGAGGGCGTCCAGGCCACC-3'